The following is an entry in ClinVar:

ClinVar aggregate classification (germline): Uncertain significance (1 of 4 stars; one submission).

Submission:

Ambry Genetics
Classification: Uncertain significance. Last evaluated: 2021-11-17. Review status: criteria provided, single submitter. Criteria: Ambry Variant Classification Scheme 2023. Collection method: clinical testing. Allele origin: germline.
Comment: The p.G990A variant (also known as c.2969G>C), located in coding exon 24 of the BUB1 gene, results from a G to C substitution at nucleotide position 2969. The glycine at codon 990 is replaced by alanine, an amino acid with similar properties. This amino acid position is conserved. In addition, this alteration is predicted to be deleterious by in silico analysis. Since supporting evidence is limited at this time, the clinical significance of this alteration remains unclear.

NM_004336.5(BUB1):c.2969G>C (p.Gly990Ala)

Gene: BUB1 (BUB1 mitotic checkpoint serine/threonine kinase; minus strand). Cytogenetic location: 2q13.
Variant type: single nucleotide variant.
Coding change: c.2969G>C on transcript NM_004336.5 (MANE Select); coding-DNA position 2969, G replaced by C.
Protein change: p.Gly990Ala; replaces glycine 990 with alanine.
Molecular consequence: missense variant.
Genome position (GRCh38, 1-based): chr2:110,639,835, C>G on the plus strand (G>C on the coding strand, the complement: BUB1 is on the minus strand). VCF-style: chr2-110639835-C-G. GRCh37 (hg19) VCF-style: chr2-111397412-C-G.
Other names: c.2909G>C, p.Gly970Ala (NM_001278616.2); c.2798G>C, p.Gly933Ala (NM_001278617.2); short protein forms G970A, G933A, G990A.
Identifiers: ClinVar variation 1798253 (VCV001798253.2), dbSNP rs2467967301, ClinGen allele CA348088871.